The following is an entry in ClinVar:

ClinVar aggregate classification (germline): Uncertain significance (1 of 4 stars; one submission).

Submission:

GeneDx
Classification: Uncertain significance. Last evaluated: 2024-05-03. Review status: criteria provided, single submitter. Criteria: GeneDx Variant Classification Process June 2021. Collection method: clinical testing. Allele origin: germline. Affected: yes.
Comment: Not observed at significant frequency in large population cohorts (gnomAD); In silico analysis supports that this missense variant has a deleterious effect on protein structure/function; Missense variant in a gene in which most reported pathogenic variants are truncating/loss of function; Has not been previously published as pathogenic or benign to our knowledge

NM_004006.3(DMD):c.401C>G (p.Thr134Ser)

Gene: DMD (dystrophin; minus strand). Cytogenetic location: Xp21.1.
Variant type: single nucleotide variant.
Coding change: c.401C>G on transcript NM_004006.3 (MANE Select); coding-DNA position 401, C replaced by G.
Protein change: p.Thr134Ser; replaces threonine 134 with serine.
Molecular consequence: missense variant.
Genome position (GRCh38, 1-based): chrX:32,816,597, G>C on the plus strand (C>G on the coding strand, the complement: DMD is on the minus strand). VCF-style: chrX-32816597-G-C. GRCh37 (hg19) VCF-style: chrX-32834714-G-C.
Other names: c.377C>G, p.Thr126Ser (NM_000109.4); c.389C>G, p.Thr130Ser (NM_004009.3); c.32C>G, p.Thr11Ser (NM_004010.3); short protein forms T11S, T126S, T130S, T134S.
Identifiers: ClinVar variation 3373395 (VCV003373395.1).
Genomic context (GRCh38, chrX:32,816,597, plus strand): 5'-ACCTGTGGATAATTACGAGTTGATTGTCGGACCCAGCTCAGGAGAATCTTTTCACTGTTG[G>C]TTTGTTGCAATCCAGCCATGATATTTTTCATTACATTTTTGACCTACATGTGGAAATAAA-3'
Protein context (NP_003997.2, residues 124-144): MKNIMAGLQQ[Thr134Ser]NSEKILLSWV